The following is an entry in ClinVar:

ClinVar aggregate classification (germline): Likely benign (1 of 4 stars; one submission).

gnomAD v4.1: 4 of 1,613,732 alleles (0.00025%); highest among the groups gnomAD compares: Admixed American, 0.0017%; no homozygotes.

Submission:

CeGaT Center for Human Genetics Tuebingen
Classification: Likely benign. Last evaluated: 2025-02-01. Review status: criteria provided, single submitter. Criteria: CeGaT Center For Human Genetics Tuebingen Variant Classification Criteria Version 2. Collection method: clinical testing. Allele origin: germline. Affected: yes. Observed: 1 variant allele.
Comment: CAVIN1: BP4, BP7

NM_012232.6(CAVIN1):c.660T>C (p.Arg220=)

Gene: CAVIN1 (caveolae associated protein 1; minus strand). Cytogenetic location: 17q21.2.
Variant type: single nucleotide variant.
Coding change: c.660T>C on transcript NM_012232.6 (MANE Select); coding-DNA position 660, T replaced by C.
Protein change: p.Arg220=; no amino-acid change (arginine 220 retained).
Molecular consequence: synonymous variant.
Genome position (GRCh38, 1-based): chr17:42,405,200, A>G on the plus strand (T>C on the coding strand, the complement: CAVIN1 is on the minus strand). VCF-style: chr17-42405200-A-G. GRCh37 (hg19) VCF-style: chr17-40557218-A-G.
Identifiers: ClinVar variation 3770580 (VCV003770580.13).
Genomic context (GRCh38, chr17:42,405,200, plus strand): 5'-CTTCTCCTTGGAGAAGGCCTTCTTGAAGTCGTCCACGCGCCGCAGGCCGCTGCGCTTGAT[A>G]CGCTCTGCGCGGGACTCCTCAATAACCTCCTCAACCTCCACCGCCTCGTCCGACGAAAGC-3'
Protein context (NP_036364.2, residues 210-230): EEVIEESRAE[Arg220=]IKRSGLRRVD